The following is an entry in ClinVar:

ClinVar aggregate classification (germline): Uncertain significance (1 of 4 stars; one submission).

Submission:

GeneDx
Classification: Uncertain significance. Last evaluated: 2024-06-10. Review status: criteria provided, single submitter. Criteria: GeneDx Variant Classification Process June 2021. Collection method: clinical testing. Allele origin: germline. Affected: yes.
Comment: Not observed at significant frequency in large population cohorts (gnomAD); In silico analysis supports that this missense variant has a deleterious effect on protein structure/function; Has not been previously published as pathogenic or benign to our knowledge

NM_001083962.2(TCF4):c.677C>G (p.Pro226Arg)

Gene: TCF4 (transcription factor 4; minus strand). Cytogenetic location: 18q21.2.
Variant type: single nucleotide variant.
Coding change: c.677C>G on transcript NM_001083962.2 (MANE Select); coding-DNA position 677, C replaced by G.
Protein change: p.Pro226Arg; replaces proline 226 with arginine.
Molecular consequence: missense variant.
Genome position (GRCh38, 1-based): chr18:55,275,731, G>C on the plus strand (C>G on the coding strand, the complement: TCF4 is on the minus strand). VCF-style: chr18-55275731-G-C. GRCh37 (hg19) VCF-style: chr18-52942962-G-C.
Other names: c.983C>G, p.Pro328Arg (NM_001243226.3); c.605C>G, p.Pro202Arg (NM_001243227.2, NM_001306207.1, NM_001348217.1 and 9 more transcripts); c.695C>G, p.Pro232Arg (NM_001243228.2); c.671C>G, p.Pro224Arg (NM_001243230.2); c.551C>G, p.Pro184Arg (NM_001243231.2, NM_001348211.2); c.464C>G, p.Pro155Arg (NM_001243232.1, NM_001306208.1); c.287C>G, p.Pro96Arg (NM_001243233.2, NM_001330605.3, NM_001348212.2 and 1 more transcripts); c.197C>G, p.Pro66Arg (NM_001243234.2, NM_001243235.2, NM_001243236.2 and 2 more transcripts); and 4 more; short protein forms P10R, P155R, P184R, P201R, P202R, P224R, P225R, P226R.
Identifiers: ClinVar variation 3390706 (VCV003390706.1).